The following is an entry in ClinVar:

ClinVar aggregate classification (germline): Uncertain significance (1 of 4 stars; one submission).

Submission:

Labcorp Genetics (formerly Invitae), Labcorp
Classification: Uncertain significance. Last evaluated: 2022-08-23. Review status: criteria provided, single submitter. Criteria: Invitae Variant Classification Sherloc (09022015). Collection method: clinical testing. Allele origin: germline.
Comment: Algorithms developed to predict the effect of missense changes on protein structure and function are either unavailable or do not agree on the potential impact of this missense change (SIFT: "Tolerated"; PolyPhen-2: "Possibly Damaging"; Align-GVGD: "Class C0"). In summary, the available evidence is currently insufficient to determine the role of this variant in disease. Therefore, it has been classified as a Variant of Uncertain Significance. ClinVar contains an entry for this variant (Variation ID: 1523980). This variant has not been reported in the literature in individuals affected with ADGRA3-related conditions. This variant is not present in population databases (gnomAD no frequency). This sequence change replaces asparagine, which is neutral and polar, with aspartic acid, which is acidic and polar, at codon 1149 of the ADGRA3 protein (p.Asn1149Asp).

NM_145290.4(ADGRA3):c.3445A>G (p.Asn1149Asp)

Gene: ADGRA3 (adhesion G protein-coupled receptor A3; minus strand). Cytogenetic location: 4p15.2.
Variant type: single nucleotide variant.
Coding change: c.3445A>G on transcript NM_145290.4 (MANE Select); coding-DNA position 3445, A replaced by G.
Protein change: p.Asn1149Asp; replaces asparagine 1149 with aspartic acid.
Molecular consequence: missense variant.
Genome position (GRCh38, 1-based): chr4:22,388,226, T>C on the plus strand (A>G on the coding strand, the complement: ADGRA3 is on the minus strand). VCF-style: chr4-22388226-T-C. GRCh37 (hg19) VCF-style: chr4-22389849-T-C.
Other names: short protein forms N1149D.
Identifiers: ClinVar variation 1523980 (VCV001523980.8), dbSNP rs2108988681, ClinGen allele CA356472422.